The following is an entry in ClinVar:

NM_006459.4(ERLIN1):c.799G>A (p.Ala267Thr)

Gene: ERLIN1 (ER lipid raft associated 1; minus strand). Cytogenetic location: 10q24.31.
Variant type: single nucleotide variant.
Coding change: c.799G>A on transcript NM_006459.4 (MANE Select); coding-DNA position 799, G replaced by A.
Protein change: p.Ala267Thr; replaces alanine 267 with threonine.
Molecular consequence: missense variant. On other transcripts: non-coding transcript variant (6).
Genome position (GRCh38, 1-based): chr10:100,154,886, C>T on the plus strand (G>A on the coding strand, the complement: ERLIN1 is on the minus strand). VCF-style: chr10-100154886-C-T. GRCh37 (hg19) VCF-style: chr10-101914643-C-T.
Other names: c.799G>A, p.Ala267Thr (NM_001100626.2, NM_001347857.2, NM_001347859.2 and 2 more transcripts); c.547G>A, p.Ala183Thr (NM_001347856.2); c.319G>A, p.Ala107Thr (NM_001347858.2); short protein forms A107T, A267T, A183T.
Identifiers: ClinVar variation 1425746 (VCV001425746.6), dbSNP rs1244277642, ClinGen allele CA378151212.

ClinVar aggregate classification (germline): Uncertain significance (1 of 4 stars; one submission).

Conditions:
Hereditary spastic paraplegia 62. Also called: Spastic paraplegia 62, autosomal recessive. Identifiers: Orphanet 401785, MedGen C4284588, MONDO:0014302, OMIM 615681.

Allele frequency attached by ClinVar (database versions not stated): gnomAD exomes 0.00001; TOPMed 0.00001.

Submission:

Labcorp Genetics (formerly Invitae), Labcorp
Classification: Uncertain significance for Hereditary spastic paraplegia 62. Last evaluated: 2021-08-13. Review status: criteria provided, single submitter. Criteria: Invitae Variant Classification Sherloc (09022015). Collection method: clinical testing. Allele origin: germline.
Comment: In summary, the available evidence is currently insufficient to determine the role of this variant in disease. Therefore, it has been classified as a Variant of Uncertain Significance. Algorithms developed to predict the effect of missense changes on protein structure and function (SIFT, PolyPhen-2, Align-GVGD) all suggest that this variant is likely to be disruptive. This variant has not been reported in the literature in individuals affected with ERLIN1-related conditions. This variant is not present in population databases (ExAC no frequency). This sequence change replaces alanine with threonine at codon 267 of the ERLIN1 protein (p.Ala267Thr). The alanine residue is highly conserved and there is a small physicochemical difference between alanine and threonine.